The following is an entry in ClinVar:

ClinVar aggregate classification (germline): Uncertain significance (1 of 4 stars; one submission).

Submission:

Ambry Genetics
Classification: Uncertain significance. Last evaluated: 2025-12-16. Review status: criteria provided, single submitter. Criteria: Ambry Variant Classification Scheme 2023. Collection method: clinical testing. Allele origin: germline.
Comment: The c.359T>C (p.V120A) alteration is located in exon 3 (coding exon 3) of the ITIH6 gene. This alteration results from a T to C substitution at nucleotide position 359, causing the valine (V) at amino acid position 120 to be replaced by an alanine (A). Based on data from gnomAD, the C allele has an overall frequency of <0.001% (1/182791) total alleles studied. The highest observed frequency was 0.001% (1/81473) of European (non-Finnish) alleles. Based on insufficient or conflicting evidence, the clinical significance of this alteration remains unclear.

NM_198510.3(ITIH6):c.359T>C (p.Val120Ala)

Gene: ITIH6 (inter-alpha-trypsin inhibitor heavy chain family member 6; minus strand). Cytogenetic location: Xp11.22.
Variant type: single nucleotide variant.
Coding change: c.359T>C on transcript NM_198510.3 (MANE Select); coding-DNA position 359, T replaced by C.
Protein change: p.Val120Ala; replaces valine 120 with alanine.
Molecular consequence: missense variant.
Genome position (GRCh38, 1-based): chrX:54,791,935, A>G on the plus strand (T>C on the coding strand, the complement: ITIH6 is on the minus strand). VCF-style: chrX-54791935-A-G. GRCh37 (hg19) VCF-style: chrX-54818368-A-G.
Other names: short protein forms V120A.
Identifiers: ClinVar variation 4835093 (VCV004835093.1).